The following is an entry in ClinVar:

NM_000064.4(C3):c.3419A>C (p.Asp1140Ala)

Gene: C3 (complement C3; minus strand). Cytogenetic location: 19p13.3.
Variant type: single nucleotide variant.
Coding change: c.3419A>C on transcript NM_000064.4 (MANE Select); coding-DNA position 3419, A replaced by C.
Protein change: p.Asp1140Ala; replaces aspartic acid 1140 with alanine.
Molecular consequence: missense variant.
Genome position (GRCh38, 1-based): chr19:6,690,699, T>G on the plus strand (A>C on the coding strand, the complement: C3 is on the minus strand). VCF-style: chr19-6690699-T-G. GRCh37 (hg19) VCF-style: chr19-6690710-T-G.
Other names: short protein forms D1140A.
Identifiers: ClinVar variation 4280207 (VCV004280207.1).

ClinVar aggregate classification (germline): Uncertain significance (1 of 4 stars; one submission).

Conditions:
Complement component 3 deficiency. Identifiers: Orphanet 280133, MedGen C3151071, MONDO:0013417, OMIM 613779.
C3 glomerulonephritis. Also called: Nephropathy due to CFHR5 Deficiency; C3 GLOMERULOPATHY 3. Identifiers: Orphanet 329931, MedGen C4055342, MONDO:0013892, OMIM 614809.
Atypical hemolytic-uremic syndrome. Identifiers: Orphanet 2134, MedGen C2931788, MONDO:0016244.

gnomAD v4.1: 2 of 1,614,214 alleles (0.00012%); highest among the groups gnomAD compares: Non-Finnish European, 0.00017%; no homozygotes.

Submission:

Genomenon, Inc
Classification: Uncertain significance for Complement component 3 deficiency; C3 glomerulonephritis; Atypical hemolytic-uremic syndrome. Last evaluated: 2025-09-30. Review status: criteria provided, single submitter. Criteria: Genomenon Sequence Variant Interpretation Standards. Collection method: curation. Allele origin: germline. Affected: no.
Comment: C3 p.Asp1140Ala (c.3419A>C) is a missense variant that changes the amino acid at residue 1140 from Aspartic acid to Alanine. This variant has been reported in the published literature (PMID:20083651;20951140). It is absent or not present at a significant frequency in gnomAD. In silico models agree that this variant is not damaging. In conclusion, we classify C3 p.Asp1140Ala (c.3419A>C) as a variant of unknown significance.

Literature cited by the submitters: PubMed 20083651; PubMed 20951140.